The following is an entry in ClinVar:

ClinVar aggregate classification (germline): Uncertain significance. Review status: criteria provided, multiple submitters, no conflicts (2 of 4 stars). 4 submissions from 4 submitters: Uncertain significance (4). Last evaluated 2025-11-23.

Conditions:
Inborn genetic diseases. Identifiers: MedGen C0950123, MeSH D030342.
Facioscapulohumeral muscular dystrophy 2 (FSHD2). Also called: FACIOSCAPULOHUMERAL MUSCULAR DYSTROPHY 2, DIGENIC; FSHD2, DIGENIC; MUSCULAR DYSTROPHY, FACIOSCAPULOHUMERAL, TYPE 1B. Identifiers: Orphanet 269, MedGen C1834671, MONDO:0008031, OMIM 158901.

Allele frequency attached by ClinVar (database versions not stated): gnomAD 0.00004 and 0.00003; gnomAD exomes 0.00012 and 0.00003; ExAC 0.00003; TOPMed 0.00003.
gnomAD v4.1: 175 of 1,609,632 alleles (0.011%); highest among the groups gnomAD compares: Non-Finnish European, 0.014%; no homozygotes.

Submissions (4):

Labcorp Genetics (formerly Invitae), Labcorp
Classification: Uncertain significance for Facioscapulohumeral muscular dystrophy 2. Last evaluated: 2025-11-23. Review status: criteria provided, single submitter. Criteria: Invitae Variant Classification Sherloc (09022015). Collection method: clinical testing. Allele origin: germline.
Comment: This sequence change replaces alanine, which is neutral and non-polar, with threonine, which is neutral and polar, at codon 347 of the SMCHD1 protein (p.Ala347Thr). This variant is present in population databases (rs776944618, gnomAD 0.006%). This variant has not been reported in the literature in individuals affected with SMCHD1-related conditions. ClinVar contains an entry for this variant (Variation ID: 287026). An algorithm developed to predict the effect of missense changes on protein structure and function outputs the following: PolyPhen-2: "Benign". The threonine amino acid residue is found in multiple mammalian species, which suggests that this missense change does not adversely affect protein function. In summary, the available evidence is currently insufficient to determine the role of this variant in disease. Therefore, it has been classified as a Variant of Uncertain Significance.

Ambry Genetics
Classification: Uncertain significance for Inborn genetic diseases. Last evaluated: 2025-05-18. Review status: criteria provided, single submitter. Criteria: Ambry Variant Classification Scheme 2023. Collection method: clinical testing. Allele origin: germline.

Revvity Omics, Revvity
Classification: Uncertain significance. Last evaluated: 2019-07-08. Review status: criteria provided, single submitter. Criteria: ACMG Guidelines, 2015. Collection method: clinical testing. Allele origin: germline.

Eurofins Ntd Llc (ga)
Classification: Uncertain significance. Last evaluated: 2016-03-23. Review status: criteria provided, single submitter. Criteria: EGL Classification Definitions 2015. Collection method: clinical testing. Allele origin: germline. Observed: 1 variant allele, 1 heterozygote.

NM_015295.3(SMCHD1):c.1039G>A (p.Ala347Thr)

Gene: SMCHD1 (structural maintenance of chromosomes flexible hinge domain containing 1; plus strand). Cytogenetic location: 18p11.32.
Variant type: single nucleotide variant.
Coding change: c.1039G>A on transcript NM_015295.3 (MANE Select); coding-DNA position 1039, G replaced by A.
Protein change: p.Ala347Thr; replaces alanine 347 with threonine.
Molecular consequence: missense variant.
Genome position (GRCh38, 1-based): chr18:2,694,692, G>A. VCF-style: chr18-2694692-G-A. GRCh37 (hg19) VCF-style: chr18-2694690-G-A.
Other names: short protein forms A347T.
Identifiers: ClinVar variation 287026 (VCV000287026.19), dbSNP rs776944618, ClinGen allele CA8870673.